The following is an entry in ClinVar:

ClinVar aggregate classification (germline): Uncertain significance. Review status: criteria provided, multiple submitters, no conflicts (2 of 4 stars). 2 submissions from 2 submitters: Uncertain significance (2). Last evaluated 2024-11-26.

Conditions:
FLNA-related disorder.

gnomAD v4.1: 1 of 1,210,721 alleles (0.000083%); highest among the groups gnomAD compares: Non-Finnish European, 0.00011%; no homozygotes.

Submissions (2):

PreventionGenetics, part of Exact Sciences
Classification: Uncertain significance for FLNA-related condition. Last evaluated: 2024-11-26. Review status: criteria provided, single submitter. Criteria: ACMG Guidelines, 2015. Collection method: clinical testing. Allele origin: germline.
Comment: The FLNA c.617C>T variant is predicted to result in the amino acid substitution p.Ala206Val. To our knowledge, this variant has not been reported in the literature or in a large population database (gnomAD), indicating this variant is rare. At this time, the clinical significance of this variant is uncertain due to the absence of conclusive functional and genetic evidence.

GeneDx
Classification: Uncertain significance. Last evaluated: 2020-06-29. Review status: criteria provided, single submitter. Criteria: GeneDx Variant Classification Process June 2021. Collection method: clinical testing. Allele origin: germline. Affected: yes.
Comment: Not observed in large population cohorts (Lek et al., 2016); In silico analysis supports that this missense variant has a deleterious effect on protein structure/function; Has not been previously published as pathogenic or benign to our knowledge

NM_001110556.2(FLNA):c.617C>T (p.Ala206Val)

Gene: FLNA (filamin A; minus strand). Cytogenetic location: Xq28.
Variant type: single nucleotide variant.
Coding change: c.617C>T on transcript NM_001110556.2 (MANE Select); coding-DNA position 617, C replaced by T.
Protein change: p.Ala206Val; replaces alanine 206 with valine.
Molecular consequence: missense variant.
Genome position (GRCh38, 1-based): chrX:154,367,847, G>A on the plus strand (C>T on the coding strand, the complement: FLNA is on the minus strand). VCF-style: chrX-154367847-G-A. GRCh37 (hg19) VCF-style: chrX-153596215-G-A.
Other names: c.617C>T, p.Ala206Val (NM_001456.4); c.617C>T (NM_001110556.1); short protein forms A206V.
Identifiers: ClinVar variation 424104 (VCV000424104.4), dbSNP rs1064796798, ClinGen allele CA16621258.